The following is an entry in ClinVar:

NM_004168.4(SDHA):c.419A>G (p.His140Arg)

Gene: SDHA (succinate dehydrogenase complex flavoprotein subunit A; plus strand). Cytogenetic location: 5p15.33.
Variant type: single nucleotide variant.
Coding change: c.419A>G on transcript NM_004168.4 (MANE Select); coding-DNA position 419, A replaced by G.
Protein change: p.His140Arg; replaces histidine 140 with arginine.
Molecular consequence: missense variant. On other transcripts: intron variant (1).
Genome position (GRCh38, 1-based): chr5:225,525, A>G. VCF-style: chr5-225525-A-G. GRCh37 (hg19) VCF-style: chr5-225640-A-G.
Other names: c.419A>G, p.His140Arg (NM_001330758.2); c.313-358A>G (NM_001294332.2); c.419A>G (NM_004168.2); short protein forms H140R.
Identifiers: ClinVar variation 412385 (VCV000412385.10), dbSNP rs759266253, ClinGen allele CA16611928.

ClinVar aggregate classification (germline): Uncertain significance. Review status: criteria provided, multiple submitters, no conflicts (2 of 4 stars). 2 submissions from 2 submitters: Uncertain significance (2). Last evaluated 2024-08-12.

Conditions:
Mitochondrial complex II deficiency, nuclear type 1. Also called: SUCCINATE CoQ REDUCTASE DEFICIENCY. Identifiers: Orphanet 3208, MedGen C5700310, MONDO:0100294, OMIM 252011.
Pheochromocytoma/paraganglioma syndrome 5. Also called: SDHA-Related Hereditary Paraganglioma-Pheochromocytoma Syndrome; Paragangliomas 5. Identifiers: Orphanet 29072, MedGen C3279992, MONDO:0013602, OMIM 614165.
Hereditary cancer-predisposing syndrome. Also called: Neoplastic Syndromes, Hereditary; Hereditary Cancer Syndrome; Tumor predisposition; Hereditary neoplastic syndrome. Identifiers: Orphanet 140162, MedGen C0027672, MeSH D009386, MONDO:0015356.

Allele frequency attached by ClinVar (database versions not stated): gnomAD exomes below 0.00001.
gnomAD v4.1: 1 of 1,613,888 alleles (0.000062%); highest among the groups gnomAD compares: Non-Finnish European, 0.000085%; no homozygotes.

Submissions (2):

Ambry Genetics
Classification: Uncertain significance for Hereditary cancer-predisposing syndrome. Last evaluated: 2024-08-12. Review status: criteria provided, single submitter. Criteria: Ambry Variant Classification Scheme 2023. Collection method: clinical testing. Allele origin: germline.
Comment: The p.H140R variant (also known as c.419A>G), located in coding exon 4 of the SDHA gene, results from an A to G substitution at nucleotide position 419. The histidine at codon 140 is replaced by arginine, an amino acid with highly similar properties. This amino acid position is conserved. In addition, this alteration is predicted to be deleterious by in silico analysis. Based on the available evidence, the clinical significance of this variant remains unclear.

Labcorp Genetics (formerly Invitae), Labcorp
Classification: Uncertain significance for Pheochromocytoma/paraganglioma syndrome 5; Mitochondrial complex II deficiency, nuclear type 1. Last evaluated: 2020-01-22. Review status: criteria provided, single submitter. Criteria: Invitae Variant Classification Sherloc (09022015). Collection method: clinical testing. Allele origin: germline.
Comment: In summary, this variant is a rare missense change with uncertain impact on protein function. There is no indication that it causes disease, but the available evidence is currently insufficient to prove that conclusively. Therefore, it has been classified as a Variant of Uncertain Significance. Algorithms developed to predict the effect of missense changes on protein structure and function (SIFT, PolyPhen-2, Align-GVGD) all suggest that this variant is likely to be disruptive, but these predictions have not been confirmed by published functional studies. This variant is not present in population databases (ExAC no frequency) and has not been reported in the literature in individuals with a SDHA-related disease. ClinVar contains an entry for this variant (Variation ID: 412385). This sequence change replaces histidine with arginine at codon 140 of the SDHA protein (p.His140Arg). The histidine residue is highly conserved and there is a small physicochemical difference between histidine and arginine.